The following is an entry in ClinVar:

NM_006306.4(SMC1A):c.1717del (p.Asp574fs)

Gene: SMC1A (structural maintenance of chromosomes 1A; minus strand). Cytogenetic location: Xp11.22.
Variant type: Deletion.
Coding change: c.1717del on transcript NM_006306.4 (MANE Select); coding-DNA position 1717, one base deleted (C; older notation c.1717delC).
Protein change: p.Asp574fs; shifts the reading frame from aspartic acid 574.
Molecular consequence: frameshift variant.
Genome position (GRCh38, 1-based): chrX:53,405,785, G deleted on the plus strand (C on the coding strand, the reverse complement: SMC1A is on the minus strand). VCF-style (leftmost placement, unchanged base first): chrX-53405784-AG-A. GRCh37 (hg19) VCF-style: chrX-53432716-AG-A.
Other names: c.1651del, p.Asp552fs (NM_001281463.1); short protein forms D552fs, D574fs.
Identifiers: ClinVar variation 2702813 (VCV002702813.3), dbSNP rs2520930037, ClinGen allele CA2697553122.

ClinVar aggregate classification (germline): Pathogenic (1 of 4 stars; one submission).

Conditions:
Congenital muscular hypertrophy-cerebral syndrome (CDLS2). Also called: Cornelia de Lange syndrome 2; SMC1A-Related Cornelia de Lange Syndrome. Identifiers: Orphanet 199, MedGen C1802395, MONDO:0010370, OMIM 300590.

Submission:

Labcorp Genetics (formerly Invitae), Labcorp
Classification: Pathogenic for Congenital muscular hypertrophy-cerebral syndrome. Last evaluated: 2023-12-13. Review status: criteria provided, single submitter. Criteria: Invitae Variant Classification Sherloc (09022015). Collection method: clinical testing. Allele origin: germline.
Comment: This sequence change creates a premature translational stop signal (p.Asp574Thrfs*5) in the SMC1A gene. It is expected to result in an absent or disrupted protein product. Loss-of-function variants in SMC1A are known to be pathogenic (PMID: 26386245, 27334371, 28166369, 28548707, 31334757). This variant is not present in population databases (gnomAD no frequency). This variant has not been reported in the literature in individuals affected with SMC1A-related conditions. For these reasons, this variant has been classified as Pathogenic.

Literature cited by the submitters: PubMed 26386245; PubMed 27334371; PubMed 28166369; PubMed 28548707; PubMed 31334757.